The following is an entry in ClinVar:

ClinVar aggregate classification (germline): Pathogenic (1 of 4 stars; one submission).

Submission:

GeneDx
Classification: Pathogenic. Last evaluated: 2017-03-24. Review status: criteria provided, single submitter. Criteria: GeneDx Variant Classification (06012015). Collection method: clinical testing. Allele origin: germline. Affected: yes.
Comment: The Q1043X variant in the EHMT1 gene has not been reported previously as a pathogenic variant nor as a benign variant, to our knowledge. This variant is predicted to cause loss of normal protein function either through protein truncation or nonsense-mediated mRNA decay. The Q1043X variant is not observed in large population cohorts (Lek et al., 2016; 1000 Genomes Consortium et al., 2015; Exome Variant Server). We interpret Q1043X as a pathogenic variant.

NM_024757.5(EHMT1):c.3127C>T (p.Gln1043Ter)

Gene: EHMT1 (euchromatic histone lysine methyltransferase 1; plus strand). Cytogenetic location: 9q34.3.
Variant type: single nucleotide variant.
Coding change: c.3127C>T on transcript NM_024757.5 (MANE Select); coding-DNA position 3127, C replaced by T.
Protein change: p.Gln1043Ter; replaces glutamine 1043 with a stop codon.
Molecular consequence: nonsense.
Genome position (GRCh38, 1-based): chr9:137,813,477, C>T. VCF-style: chr9-137813477-C-T. GRCh37 (hg19) VCF-style: chr9-140707929-C-T.
Other names: c.3106C>T, p.Gln1036Ter (NM_001354263.2); short protein forms Q1043*, Q1036*.
Identifiers: ClinVar variation 424487 (VCV000424487.2), dbSNP rs1064796996, ClinGen allele CA16618820.
Genomic context (GRCh38, chr9:137,813,477, plus strand): 5'-ATCCCCTGTGTCAACGCCGTGGACAGCGAGCCATGCCCCAGCAACTACAAGTACGTCTCT[C>T]AGAACTGCGTGACGTCCCCCATGAACATCGACAGAAATATCACTCATCTGCAGGTGAGTG-3'